The following is an entry in ClinVar:

ClinVar aggregate classification (germline): Likely benign (1 of 4 stars; one submission).

Submission:

GeneDx
Classification: Likely benign. Last evaluated: 2017-02-07. Review status: criteria provided, single submitter. Criteria: GeneDx Variant Classification (06012015). Collection method: clinical testing. Allele origin: germline. Affected: yes.
Comment: This variant is considered likely benign or benign based on one or more of the following criteria: it is a conservative change, it occurs at a poorly conserved position in the protein, it is predicted to be benign by multiple in silico algorithms, and/or has population frequency not consistent with disease.

NM_004130.4(GYG1):c.897C>T (p.Ala299=)

Gene: GYG1 (glycogenin 1; plus strand). Cytogenetic location: 3q24.
Variant type: single nucleotide variant.
Coding change: c.897C>T on transcript NM_004130.4 (MANE Select); coding-DNA position 897, C replaced by T.
Protein change: p.Ala299=; no amino-acid change (alanine 299 retained).
Molecular consequence: synonymous variant. On other transcripts: missense variant (1).
Genome position (GRCh38, 1-based): chr3:149,026,777, C>T. VCF-style: chr3-149026777-C-T. GRCh37 (hg19) VCF-style: chr3-148744564-C-T.
Other names: c.846C>T, p.Ala282= (NM_001184720.2); c.626C>T, p.Pro209Leu (NM_001184721.2); short protein forms P209L.
Identifiers: ClinVar variation 507250 (VCV000507250.1), dbSNP rs1553733699, ClinGen allele CA354909239.